The following is an entry in ClinVar:

NM_022114.4(PRDM16):c.1521C>A (p.Phe507Leu)

Gene: PRDM16 (PR/SET domain 16; plus strand). Cytogenetic location: 1p36.32.
Variant type: single nucleotide variant.
Coding change: c.1521C>A on transcript NM_022114.4 (MANE Select); coding-DNA position 1521, C replaced by A.
Protein change: p.Phe507Leu; replaces phenylalanine 507 with leucine.
Molecular consequence: missense variant.
Genome position (GRCh38, 1-based): chr1:3,411,718, C>A. VCF-style: chr1-3411718-C-A. GRCh37 (hg19) VCF-style: chr1-3328282-C-A.
Other names: c.1521C>A, p.Phe507Leu (NM_199454.3); short protein forms F507L.
Identifiers: ClinVar variation 4741882 (VCV004741882.1).

ClinVar aggregate classification (germline): Uncertain significance (1 of 4 stars; one submission).

Conditions:
Left ventricular noncompaction 8 (LVNC8). Identifiers: Orphanet 154, Orphanet 54260, MedGen C3809288, MONDO:0014152, OMIM 615373.

gnomAD v4.1: 1 of 1,611,328 alleles (0.000062%); highest among the groups gnomAD compares: African/African-American, 0.0013%; no homozygotes.

Submission:

Labcorp Genetics (formerly Invitae), Labcorp
Classification: Uncertain significance for Left ventricular noncompaction 8. Last evaluated: 2025-09-13. Review status: criteria provided, single submitter. Criteria: Invitae Variant Classification Sherloc (09022015). Collection method: clinical testing. Allele origin: germline.
Comment: This sequence change replaces phenylalanine, which is neutral and non-polar, with leucine, which is neutral and non-polar, at codon 507 of the PRDM16 protein (p.Phe507Leu). This variant is not present in population databases (gnomAD no frequency). This variant has not been reported in the literature in individuals affected with PRDM16-related conditions. An algorithm developed to predict the effect of missense changes on protein structure and function outputs the following: PolyPhen-2: "Benign". The leucine amino acid residue is found in multiple mammalian species, which suggests that this missense change does not adversely affect protein function. In summary, the available evidence is currently insufficient to determine the role of this variant in disease. Therefore, it has been classified as a Variant of Uncertain Significance.